The following is an entry in ClinVar:

NM_001244008.2(KIF1A):c.4085G>A (p.Arg1362Gln)

Gene: KIF1A (kinesin family member 1A; minus strand). Cytogenetic location: 2q37.3.
Variant type: single nucleotide variant.
Coding change: c.4085G>A on transcript NM_001244008.2 (MANE Select); coding-DNA position 4085, G replaced by A.
Protein change: p.Arg1362Gln; replaces arginine 1362 with glutamine.
Molecular consequence: missense variant.
Genome position (GRCh38, 1-based): chr2:240,726,863, C>T on the plus strand (G>A on the coding strand, the complement: KIF1A is on the minus strand). VCF-style: chr2-240726863-C-T. GRCh37 (hg19) VCF-style: chr2-241666280-C-T.
Other names: c.3809G>A, p.Arg1270Gln (NM_001320705.2, NM_001379649.1); c.3836G>A, p.Arg1279Gln (NM_001330289.2); c.3884G>A, p.Arg1295Gln (NM_001330290.2, NM_001379648.1); c.4160G>A, p.Arg1387Gln (NM_001379631.1); c.4061G>A, p.Arg1354Gln (NM_001379632.1); c.4058G>A, p.Arg1353Gln (NM_001379633.1, NM_001379645.1); c.3911G>A, p.Arg1304Gln (NM_001379634.1); c.3908G>A, p.Arg1303Gln (NM_001379635.1, NM_001379646.1); and 7 more; short protein forms R1299Q, R1303Q, R1387Q, R1260Q, R1261Q, R1278Q, R1279Q, R1304Q.
Identifiers: ClinVar variation 1398650 (VCV001398650.11), dbSNP rs753620726, ClinGen allele CA2207505.

ClinVar aggregate classification (germline): Conflicting classifications of pathogenicity. Review status: criteria provided, conflicting classifications (1 of 4 stars). 4 submissions from 4 submitters: Uncertain significance (3); Likely benign (1). Last evaluated 2026-05-01.

Conditions:
KIF1A-related disorder. Also called: KIF1A-related disorders; KIF1A-related condition.
Inborn genetic diseases. Identifiers: MedGen C0950123, MeSH D030342.
Neuropathy, hereditary sensory, type 2C. Also called: Hereditary sensory and autonomic neuropathy type IIC; KIF1A-Related HSAN2 (HSAN2C). Identifiers: Orphanet 970, MedGen C3280168, MONDO:0013634, OMIM 614213.
Intellectual disability, autosomal dominant 9 (NESCAVS). Also called: NESCAV SYNDROME; KIF1A-Related Neurodevelopmental Disorder. Identifiers: Orphanet 662367, MedGen C5393830, MONDO:0013656, OMIM 614255.
Hereditary spastic paraplegia 30. Identifiers: Orphanet 101010, MedGen C5235139, MONDO:0012476.

Allele frequency attached by ClinVar (database versions not stated): ExAC 0.00001; gnomAD 0.00001; gnomAD exomes 0.00001 and 0.00002.
gnomAD v4.1: 16 of 1,612,434 alleles (0.00099%); highest among the groups gnomAD compares: Admixed American, 0.0067%; no homozygotes.

Submissions (4):

CeGaT Center for Human Genetics Tuebingen
Classification: Uncertain significance. Last evaluated: 2026-05-01. Review status: criteria provided, single submitter. Criteria: CeGaT Center For Human Genetics Tuebingen Variant Classification Criteria Version 2. Collection method: clinical testing. Allele origin: germline. Affected: yes. Observed: 1 variant allele.
Comment: KIF1A: PP2

PreventionGenetics, part of Exact Sciences
Classification: Uncertain significance for KIF1A-related condition. Last evaluated: 2026-01-27. Review status: criteria provided, single submitter. Criteria: ACMG Guidelines, 2015. Collection method: clinical testing. Allele origin: germline.
Comment: The KIF1A c.4085G>A variant is predicted to result in the amino acid substitution p.Arg1362Gln. To our knowledge, this variant has not been reported in the literature. This variant is reported in 0.0087% of alleles in individuals of Latino descent in gnomAD. At this time, the clinical significance of this variant is uncertain due to the absence of conclusive functional and genetic evidence.

Labcorp Genetics (formerly Invitae), Labcorp
Classification: Likely benign for Hereditary spastic paraplegia 30; Neuropathy, hereditary sensory, type 2C; Intellectual disability, autosomal dominant 9. Last evaluated: 2025-06-24. Review status: criteria provided, single submitter. Criteria: Invitae Variant Classification Sherloc (09022015). Collection method: clinical testing. Allele origin: germline.

Ambry Genetics
Classification: Uncertain significance for Inborn genetic diseases. Last evaluated: 2019-12-19. Review status: criteria provided, single submitter. Criteria: Ambry Variant Classification Scheme 2023. Collection method: clinical testing. Allele origin: germline.
Comment: The p.R1362Q variant (also known as c.4085G>A), located in coding exon 38 of the KIF1A gene, results from a G to A substitution at nucleotide position 4085. The arginine at codon 1362 is replaced by glutamine, an amino acid with highly similar properties. This amino acid position is well conserved in available vertebrate species. In addition, this alteration is predicted to be tolerated by in silico analysis. Since supporting evidence is limited at this time, the clinical significance of this alteration remains unclear.